The following is an entry in ClinVar:

ClinVar aggregate classification (germline): Pathogenic. Review status: criteria provided, multiple submitters, no conflicts (2 of 4 stars). 3 submissions from 3 submitters: Pathogenic (3). Last evaluated 2022-03-09.

Conditions:
RP1-related disorder. Also called: RP1-related condition.

Submissions (3):

Labcorp Genetics (formerly Invitae), Labcorp
Classification: Pathogenic. Last evaluated: 2022-03-09. Review status: criteria provided, single submitter. Criteria: Invitae Variant Classification Sherloc (09022015). Collection method: clinical testing. Allele origin: germline.
Comment: This sequence change creates a premature translational stop signal (p.Gly1365Valfs*8) in the RP1 gene. While this is not anticipated to result in nonsense mediated decay, it is expected to disrupt the last 792 amino acid(s) of the RP1 protein. This variant is not present in population databases (gnomAD no frequency). This variant has not been reported in the literature in individuals affected with RP1-related conditions. ClinVar contains an entry for this variant (Variation ID: 871851). This variant disrupts the C-terminus of the RP1 protein. Many variants that disrupt this region have been reported in individuals with either autosomal dominant or autosomal recessive retinitis pigmentosa (PMID: 11527933, 19933189, 29425069, 30027431). Therefore, variants that disrupt this region are expected to be disease-causing. For these reasons, this variant has been classified as Pathogenic.

Blueprint Genetics
Classification: Pathogenic for RP1-related disorders. Last evaluated: 2021-06-21. Review status: criteria provided, single submitter. Criteria: ACMG Guidelines, 2015. Collection method: clinical testing. Allele origin: germline. Affected: yes. Observed: 5 variant alleles.

CeGaT Center for Human Genetics Tuebingen
Classification: Pathogenic. Last evaluated: 2019-01-01. Review status: criteria provided, single submitter. Criteria: CeGaT Center For Human Genetics Tuebingen Variant Classification Criteria Version 2. Collection method: clinical testing. Allele origin: germline. Affected: yes. Observed: 1 variant allele.

Literature cited by the submitters: PubMed 11527933 (cited by Labcorp Genetics (formerly Invitae), Labcorp); PubMed 19933189 (cited by Labcorp Genetics (formerly Invitae), Labcorp); PubMed 29425069 (cited by Labcorp Genetics (formerly Invitae), Labcorp); PubMed 30027431 (cited by Labcorp Genetics (formerly Invitae), Labcorp).

NM_006269.2(RP1):c.4094del (p.Gly1365fs)

Gene: RP1 (RP1 axonemal microtubule associated; plus strand). Cytogenetic location: 8q12.1.
Variant type: Deletion.
Coding change: c.4094del on transcript NM_006269.2 (MANE Select); coding-DNA position 4094, one base deleted (G; older notation c.4094delG).
Protein change: p.Gly1365fs; shifts the reading frame from glycine 1365.
Molecular consequence: frameshift variant. On other transcripts: intron variant (1).
Genome position (GRCh38, 1-based): chr8:54,627,976, G deleted; the last of 2 consecutive G bases (chr8:54,627,975-54,627,976); deleting either gives the same sequence. VCF-style (leftmost placement, unchanged base first): chr8-54627974-AG-A. GRCh37 (hg19) VCF-style: chr8-55540534-AG-A.
Other names: c.787+5688del (NM_001375654.1); short protein forms G1365fs.
Identifiers: ClinVar variation 871851 (VCV000871851.47), dbSNP rs1806120012, ClinGen allele CA1139660541.